The following is an entry in ClinVar:

ClinVar aggregate classification (germline): Uncertain significance (1 of 4 stars; one submission).

Submission:

Labcorp Genetics (formerly Invitae), Labcorp
Classification: Uncertain significance. Last evaluated: 2024-08-06. Review status: criteria provided, single submitter. Criteria: Invitae Variant Classification Sherloc (09022015). Collection method: clinical testing. Allele origin: germline.
Comment: This sequence change replaces arginine, which is basic and polar, with glycine, which is neutral and non-polar, at codon 1972 of the DSCAML1 protein (p.Arg1972Gly). This variant is not present in population databases (gnomAD no frequency). This variant has not been reported in the literature in individuals affected with DSCAML1-related conditions. An algorithm developed to predict the effect of missense changes on protein structure and function (PolyPhen-2) suggests that this variant is likely to be disruptive. In summary, the available evidence is currently insufficient to determine the role of this variant in disease. Therefore, it has been classified as a Variant of Uncertain Significance.

NM_020693.4(DSCAML1):c.5734C>G (p.Arg1912Gly)

Gene: DSCAML1 (DS cell adhesion molecule like 1; minus strand). Cytogenetic location: 11q23.3.
Variant type: single nucleotide variant.
Coding change: c.5734C>G on transcript NM_020693.4 (MANE Select); coding-DNA position 5734, C replaced by G.
Protein change: p.Arg1912Gly; replaces arginine 1912 with glycine.
Molecular consequence: missense variant.
Genome position (GRCh38, 1-based): chr11:117,428,756, G>C on the plus strand (C>G on the coding strand, the complement: DSCAML1 is on the minus strand). VCF-style: chr11-117428756-G-C. GRCh37 (hg19) VCF-style: chr11-117299472-G-C.
Other names: short protein forms R1912G.
Identifiers: ClinVar variation 3632438 (VCV003632438.2).